The following is an entry in ClinVar:

ClinVar aggregate classification (germline): Uncertain significance. Review status: criteria provided, multiple submitters, no conflicts (2 of 4 stars). 2 submissions from 2 submitters: Uncertain significance (2). Last evaluated 2024-07-03.

Submissions (2):

Labcorp Genetics (formerly Invitae), Labcorp
Classification: Uncertain significance. Last evaluated: 2024-07-03. Review status: criteria provided, single submitter. Criteria: Invitae Variant Classification Sherloc (09022015). Collection method: clinical testing. Allele origin: germline.
Comment: This sequence change creates a premature translational stop signal (p.Asn303Lysfs*2) in the ABRAXAS1 gene. While this is not anticipated to result in nonsense mediated decay, it is expected to disrupt the last 107 amino acid(s) of the ABRAXAS1 protein. This variant is not present in population databases (gnomAD no frequency). This variant has not been reported in the literature in individuals affected with ABRAXAS1-related conditions. ClinVar contains an entry for this variant (Variation ID: 643542). Experimental studies and prediction algorithms are not available or were not evaluated, and the functional significance of this variant is currently unknown. In summary, the available evidence is currently insufficient to determine the role of this variant in disease. Therefore, it has been classified as a Variant of Uncertain Significance.

Breakthrough Genomics
Classification: Uncertain significance. Review status: criteria provided, single submitter. Criteria: ACMG Guidelines, 2015. Collection method: not provided. Allele origin: germline. Inheritance: Unknown mechanism. Affected: yes.

NM_139076.3(ABRAXAS1):c.908dup (p.Asn303fs)

Gene: ABRAXAS1 (abraxas 1, BRCA1 A complex subunit; minus strand). Cytogenetic location: 4q21.23.
Variant type: Duplication.
Coding change: c.908dup on transcript NM_139076.3 (MANE Select); coding-DNA position 908, one base duplicated (A; older notation c.908dupA).
Protein change: p.Asn303fs; shifts the reading frame from asparagine 303.
Molecular consequence: frameshift variant.
Genome position (GRCh38, 1-based): chr4:83,462,791, T duplicated on the plus strand (A on the coding strand, the reverse complement: ABRAXAS1 is on the minus strand); the first of 6 consecutive T bases (chr4:83,462,791-83,462,796); duplicating any one gives the same sequence. VCF-style (leftmost placement, unchanged base first): chr4-83462790-A-AT. GRCh37 (hg19) VCF-style: chr4-84383943-A-AT.
Other names: c.581dup, p.Asn194fs (NM_001345962.2); c.908dupA (NM_139076.2); short protein forms N194fs, N303fs.
Identifiers: ClinVar variation 643542 (VCV000643542.9), dbSNP rs1578122465, ClinGen allele CA915943073.